The following is an entry in ClinVar:

ClinVar aggregate classification (germline): Conflicting classifications of pathogenicity. Review status: criteria provided, conflicting classifications (1 of 4 stars). 3 submissions from 3 submitters: Uncertain significance (2); Likely benign (1). Last evaluated 2024-02-22.

Conditions:
Hereditary cancer-predisposing syndrome. Also called: Hereditary neoplastic syndrome; Neoplastic Syndromes, Hereditary; Tumor predisposition; Hereditary Cancer Syndrome. Identifiers: Orphanet 140162, MedGen C0027672, MeSH D009386, MONDO:0015356.
Familial cancer of breast. Also called: BREAST CANCER, FAMILIAL; Hereditary breast cancer; hereditary breast carcinoma. Identifiers: Orphanet 227535, MedGen C0346153, MONDO:0016419, OMIM 114480. Disease mechanism: loss of function.

Allele frequency attached by ClinVar (database versions not stated): gnomAD exomes below 0.00001 and 0.00001; ExAC 0.00001.
gnomAD v4.1: 2 of 1,614,218 alleles (0.00012%); highest among the groups gnomAD compares: Non-Finnish European, 0.00017%; no homozygotes.

Submissions (3):

Ambry Genetics
Classification: Likely benign for Hereditary cancer-predisposing syndrome. Last evaluated: 2024-02-22. Review status: criteria provided, single submitter. Criteria: Ambry Variant Classification Scheme 2023. Collection method: clinical testing. Allele origin: germline.

Women's Health and Genetics/Laboratory Corporation of America, LabCorp
Classification: Uncertain significance. Last evaluated: 2023-11-30. Review status: criteria provided, single submitter. Criteria: LabCorp Variant Classification Summary - May 2015. Collection method: clinical testing. Allele origin: germline.

Labcorp Genetics (formerly Invitae), Labcorp
Classification: Uncertain significance for Familial cancer of breast. Last evaluated: 2023-07-12. Review status: criteria provided, single submitter. Criteria: Invitae Variant Classification Sherloc (09022015). Collection method: clinical testing. Allele origin: germline.
Comment: In summary, the available evidence is currently insufficient to determine the role of this variant in disease. Therefore, it has been classified as a Variant of Uncertain Significance. An algorithm developed to predict the effect of missense changes on protein structure and function (PolyPhen-2) suggests that this variant is likely to be tolerated. ClinVar contains an entry for this variant (Variation ID: 184883). This variant has not been reported in the literature in individuals affected with BARD1-related conditions. This variant is present in population databases (rs755369095, gnomAD 0.002%). This sequence change replaces glutamine, which is neutral and polar, with arginine, which is basic and polar, at codon 752 of the BARD1 protein (p.Gln752Arg).

NM_000465.4(BARD1):c.2255A>G (p.Gln752Arg)

Gene: BARD1 (BRCA1 associated RING domain 1; minus strand). Cytogenetic location: 2q35.
Variant type: single nucleotide variant.
Coding change: c.2255A>G on transcript NM_000465.4 (MANE Select); coding-DNA position 2255, A replaced by G.
Protein change: p.Gln752Arg; replaces glutamine 752 with arginine.
Molecular consequence: missense variant. On other transcripts: non-coding transcript variant (3).
Genome position (GRCh38, 1-based): chr2:214,728,755, T>C on the plus strand (A>G on the coding strand, the complement: BARD1 is on the minus strand). VCF-style: chr2-214728755-T-C. GRCh37 (hg19) VCF-style: chr2-215593479-T-C.
Other names: c.2198A>G, p.Gln733Arg (NM_001282543.2); c.902A>G, p.Gln301Arg (NM_001282545.2); c.845A>G, p.Gln282Arg (NM_001282548.2); c.716A>G, p.Gln239Arg (NM_001282549.2); short protein forms Q752R, Q239R, Q733R, Q282R, Q301R.
Identifiers: ClinVar variation 184883 (VCV000184883.17), dbSNP rs755369095, ClinGen allele CA190373.